The following is an entry in ClinVar:

ClinVar aggregate classification (germline): Uncertain significance (1 of 4 stars; one submission).

Submission:

Ambry Genetics
Classification: Uncertain significance. Last evaluated: 2025-12-22. Review status: criteria provided, single submitter. Criteria: Ambry Variant Classification Scheme 2023. Collection method: clinical testing. Allele origin: germline.
Comment: The p.L508M variant (also known as c.1522C>A), located in coding exon 2 of the CDK12 gene, results from a C to A substitution at nucleotide position 1522. The leucine at codon 508 is replaced by methionine, an amino acid with highly similar properties. This amino acid position is conserved. In addition, this alteration is predicted to be tolerated by in silico analysis. Based on the available evidence, the clinical significance of this variant remains unclear.

NM_016507.4(CDK12):c.1522C>A (p.Leu508Met)

Gene: CDK12 (cyclin dependent kinase 12; plus strand). Cytogenetic location: 17q12.
Variant type: single nucleotide variant.
Coding change: c.1522C>A on transcript NM_016507.4 (MANE Select); coding-DNA position 1522, C replaced by A.
Protein change: p.Leu508Met; replaces leucine 508 with methionine.
Molecular consequence: missense variant.
Genome position (GRCh38, 1-based): chr17:39,471,354, C>A. VCF-style: chr17-39471354-C-A. GRCh37 (hg19) VCF-style: chr17-37627607-C-A.
Other names: c.1522C>A, p.Leu508Met (NM_015083.4); short protein forms L508M.
Identifiers: ClinVar variation 4841682 (VCV004841682.1).
Genomic context (GRCh38, chr17:39,471,354, plus strand): 5'-GAGAAGCATCTTGTTAAAGATTTGAAAGCACAGGGAACAAGAGACTCTAAACCCATAGCA[C>A]TGAAAGAGGAGATTGTTACTCCAAAGGAGACAGAAACATCAGAAAAGGAGACCCCTCCAC-3'
Protein context (NP_057591.2, residues 498-518): QGTRDSKPIA[Leu508Met]KEEIVTPKET